The following is an entry in ClinVar:

ClinVar aggregate classification (germline): Benign/Likely benign. Review status: criteria provided, multiple submitters, no conflicts (2 of 4 stars). 3 submissions from 3 submitters: Benign (1); Likely benign (1). 1 of the submissions does not count toward it. Last evaluated 2025-09-13.

Conditions:
SPTBN2-related disorder. Also called: SPTBN2-related condition.

Allele frequency attached by ClinVar (database versions not stated): gnomAD exomes 0.00001 and 0.00002; ExAC 0.00002; gnomAD 0.00005 and 0.00006; ESP Exome Variant Server 0.00008; TOPMed 0.00008.
gnomAD v4.1: 53 of 1,602,314 alleles (0.0033%); highest among the groups gnomAD compares: East Asian, 0.013%; no homozygotes.

Submissions (3):

Labcorp Genetics (formerly Invitae), Labcorp
Classification: Likely benign. Last evaluated: 2025-09-13. Review status: criteria provided, single submitter. Criteria: Invitae Variant Classification Sherloc (09022015). Collection method: clinical testing. Allele origin: germline.

Athena Diagnostics
Classification: Benign. Last evaluated: 2024-04-17. Review status: criteria provided, single submitter. Criteria: Athena Diagnostics Criteria. Collection method: clinical testing. Allele origin: unknown.

PreventionGenetics, part of Exact Sciences
Classification: Likely benign for SPTBN2-related condition. Last evaluated: 2019-05-20. Review status: no assertion criteria provided. Collection method: clinical testing. Allele origin: germline. Not counted in ClinVar's aggregate classification.
Comment: This variant is classified as likely benign based on ACMG/AMP sequence variant interpretation guidelines (Richards et al. 2015 PMID: 25741868, with internal and published modifications).

NM_006946.4(SPTBN2):c.6528T>C (p.Asn2176=)

Gene: SPTBN2 (spectrin beta, non-erythrocytic 2; minus strand). Cytogenetic location: 11q13.2.
Variant type: single nucleotide variant.
Coding change: c.6528T>C on transcript NM_006946.4 (MANE Select); coding-DNA position 6528, T replaced by C.
Protein change: p.Asn2176=; no amino-acid change (asparagine 2176 retained).
Molecular consequence: synonymous variant.
Genome position (GRCh38, 1-based): chr11:66,687,621, A>G on the plus strand (T>C on the coding strand, the complement: SPTBN2 is on the minus strand). VCF-style: chr11-66687621-A-G. GRCh37 (hg19) VCF-style: chr11-66455092-A-G.
Identifiers: ClinVar variation 305534 (VCV000305534.15), dbSNP rs371535973, ClinGen allele CA6127868.